The following is an entry in ClinVar:

NM_000051.4(ATM):c.8564G>T (p.Ser2855Ile)

Genes: ATM (ATM serine/threonine kinase; plus strand), C11orf65 (chromosome 11 open reading frame 65; minus strand). Cytogenetic location: 11q22.3.
Variant type: single nucleotide variant.
Coding change: c.8564G>T on transcript NM_000051.4 (MANE Select); coding-DNA position 8564, G replaced by T.
Protein change: p.Ser2855Ile; replaces serine 2855 with isoleucine.
Molecular consequence: missense variant. On other transcripts: intron variant (2).
Genome position (GRCh38, 1-based): chr11:108,345,888, G>T. VCF-style: chr11-108345888-G-T. GRCh37 (hg19) VCF-style: chr11-108216615-G-T.
Other names: c.695-10596C>A (NM_001351110.2); c.8564G>T, p.Ser2855Ile (NM_001351834.2); c.641-36817C>A (NM_001330368.2); short protein forms S2855I.
Identifiers: ClinVar variation 1469285 (VCV001469285.8), dbSNP rs2088303841, ClinGen allele CA382518624.

ClinVar aggregate classification (germline): Likely pathogenic (1 of 4 stars; one submission).

Conditions:
Ataxia-telangiectasia syndrome (AT). Also called: LOUIS-BAR SYNDROME; Cerebello-oculocutaneous telangiectasia; Immunodeficiency with ataxia telangiectasia; Ataxia telangiectasia (A-T); Ataxia-telangiectasia, complementation group D; AT, COMPLEMENTATION GROUP C. Identifiers: Orphanet 100, MedGen C0004135, MONDO:0008840, OMIM 208900.

Submission:

Labcorp Genetics (formerly Invitae), Labcorp
Classification: Likely pathogenic for Ataxia-telangiectasia syndrome. Last evaluated: 2020-11-05. Review status: criteria provided, single submitter. Criteria: Invitae Variant Classification Sherloc (09022015). Collection method: clinical testing. Allele origin: germline.
Comment: In summary, the currently available evidence indicates that the variant is pathogenic, but additional data are needed to prove that conclusively. Therefore, this variant has been classified as Likely Pathogenic. This variant disrupts the p.Ser2855 amino acid residue in ATM. Other variant(s) that disrupt this residue have been determined to be pathogenic (PMID: 11857346, 10425038, 26506520). This suggests that this residue is clinically significant, and that variants that disrupt this residue are likely to be disease-causing. Advanced modeling of protein sequence and biophysical properties (such as structural, functional, and spatial information, amino acid conservation, physicochemical variation, residue mobility, and thermodynamic stability) performed at Invitae indicates that this missense variant is expected to disrupt ATM protein function. This variant has not been reported in the literature in individuals with ATM-related conditions. This variant is not present in population databases (ExAC no frequency). This sequence change replaces serine with isoleucine at codon 2855 of the ATM protein (p.Ser2855Ile). The serine residue is highly conserved and there is a large physicochemical difference between serine and isoleucine.

Literature cited by the submitters: PubMed 11857346; PubMed 10425038; PubMed 26506520.